The following is an entry in ClinVar:

NM_000304.4(PMP22):c.172C>T (p.Pro58Ser)

Gene: PMP22 (peripheral myelin protein 22; minus strand). Cytogenetic location: 17p12.
Variant type: single nucleotide variant.
Coding change: c.172C>T on transcript NM_000304.4 (MANE Select); coding-DNA position 172, C replaced by T.
Protein change: p.Pro58Ser; replaces proline 58 with serine.
Molecular consequence: missense variant. On other transcripts: non-coding transcript variant (1).
Genome position (GRCh38, 1-based): chr17:15,259,100, G>A on the plus strand (C>T on the coding strand, the complement: PMP22 is on the minus strand). VCF-style: chr17-15259100-G-A. GRCh37 (hg19) VCF-style: chr17-15162417-G-A.
Other names: c.172C>T, p.Pro58Ser (NM_001281455.2, NM_001281456.2, NM_001330143.2 and 2 more transcripts); short protein forms P58S.
Identifiers: ClinVar variation 942757 (VCV000942757.6), dbSNP rs772242644, ClinGen allele CA8403419.
Genomic context (GRCh38, chr17:15,259,100, plus strand): 5'-AAACGTGTTACAGGCGTCTGAGGACAAGCTCATGGAGCACAAAACCAGCCTCACCGTTTG[G>A]TGATGATGAGAAACAGTGGTGGACATTTCCTGAGGAAGAGGTGCTACAGTTCTGCCAGAG-3'
Protein context (NP_000295.1, residues 48-68): GNVHHCFSSS[Pro58Ser]NEWLQSVQAT

ClinVar aggregate classification (germline): Uncertain significance (1 of 4 stars; one submission).

Conditions:
Charcot-Marie-Tooth disease, type I (CMT1). Also called: Charcot-Marie-Tooth disease type 1; Charcot-Marie-Tooth, Type 1. Identifiers: Orphanet 65753, MedGen C0751036, MONDO:0019011.

Allele frequency attached by ClinVar (database versions not stated): gnomAD exomes below 0.00001; ExAC 0.00001.
gnomAD v4.1: 3 of 1,610,512 alleles (0.00019%); highest among the groups gnomAD compares: Non-Finnish European, 0.00025%; no homozygotes.

Submission:

Labcorp Genetics (formerly Invitae), Labcorp
Classification: Uncertain significance for Charcot-Marie-Tooth disease, type I. Last evaluated: 2019-08-21. Review status: criteria provided, single submitter. Criteria: Invitae Variant Classification Sherloc (09022015). Collection method: clinical testing. Allele origin: germline.
Comment: This sequence change replaces proline with serine at codon 58 of the PMP22 protein (p.Pro58Ser). The proline residue is weakly conserved and there is a moderate physicochemical difference between proline and serine. This variant is present in population databases (rs772242644, ExAC 0.002%). This variant has not been reported in the literature in individuals with PMP22-related conditions. Algorithms developed to predict the effect of missense changes on protein structure and function (SIFT, PolyPhen-2, Align-GVGD) all suggest that this variant is likely to be tolerated, but these predictions have not been confirmed by published functional studies and their clinical significance is uncertain. In summary, the available evidence is currently insufficient to determine the role of this variant in disease. Therefore, it has been classified as a Variant of Uncertain Significance.